The following is an entry in ClinVar:

ClinVar aggregate classification (germline): Uncertain significance. Review status: criteria provided, single submitter (1 of 4 stars). 2 submissions from 2 submitters: Uncertain significance (1). 1 of the submissions does not count toward it. Last evaluated 2026-01-26.

Conditions:
Bardet-Biedl syndrome (BBS). Identifiers: Orphanet 110, MedGen C0752166, MONDO:0015229.
McKusick-Kaufman syndrome (MKKS). Also called: HYDROMETROCOLPOS SYNDROME; HYDROMETROCOLPOS, POSTAXIAL POLYDACTYLY, AND CONGENITAL HEART MALFORMATION. Identifiers: Orphanet 2473, MedGen C0948368, MONDO:0009367, OMIM 236700.
MKKS-related disorder. Also called: MKKS-related condition; MKKS-related disorders.

Allele frequency attached by ClinVar (database versions not stated): gnomAD 0.00001; TOPMed 0.00001; ExAC 0.00002; ESP Exome Variant Server 0.00008.
gnomAD v4.1: 17 of 1,614,018 alleles (0.0011%); highest among the groups gnomAD compares: Non-Finnish European, 0.0014%; no homozygotes.

Submissions (2):

Labcorp Genetics (formerly Invitae), Labcorp
Classification: Uncertain significance for McKusick-Kaufman syndrome; Bardet-Biedl syndrome. Last evaluated: 2026-01-26. Review status: criteria provided, single submitter. Criteria: Invitae Variant Classification Sherloc (09022015). Collection method: clinical testing. Allele origin: germline.
Comment: This sequence change replaces isoleucine, which is neutral and non-polar, with valine, which is neutral and non-polar, at codon 313 of the MKKS protein (p.Ile313Val). This variant is present in population databases (rs375066177, gnomAD 0.003%). This variant has not been reported in the literature in individuals affected with MKKS-related conditions. ClinVar contains an entry for this variant (Variation ID: 1969080). Invitae Evidence Modeling of protein sequence and biophysical properties (such as structural, functional, and spatial information, amino acid conservation, physicochemical variation, residue mobility, and thermodynamic stability) indicates that this missense variant is not expected to disrupt MKKS protein function with a negative predictive value of 95%. In summary, the available evidence is currently insufficient to determine the role of this variant in disease. Therefore, it has been classified as a Variant of Uncertain Significance.

PreventionGenetics, part of Exact Sciences
Classification: Uncertain significance for MKKS-related condition. Last evaluated: 2023-12-29. Review status: no assertion criteria provided. Collection method: clinical testing. Allele origin: germline. Not counted in ClinVar's aggregate classification.
Comment: The MKKS c.937A>G variant is predicted to result in the amino acid substitution p.Ile313Val. To our knowledge, this variant has not been reported in the literature. This variant is reported in 0.0026% of alleles in individuals of European (Non-Finnish) descent in gnomAD. At this time, the clinical significance of this variant is uncertain due to the absence of conclusive functional and genetic evidence.

NM_170784.3(MKKS):c.937A>G (p.Ile313Val)

Gene: MKKS (MKKS centrosomal shuttling protein; minus strand). Cytogenetic location: 20p12.2.
Variant type: single nucleotide variant.
Coding change: c.937A>G on transcript NM_170784.3 (MANE Select); coding-DNA position 937, A replaced by G.
Protein change: p.Ile313Val; replaces isoleucine 313 with valine.
Molecular consequence: missense variant.
Genome position (GRCh38, 1-based): chr20:10,412,578, T>C on the plus strand (A>G on the coding strand, the complement: MKKS is on the minus strand). VCF-style: chr20-10412578-T-C. GRCh37 (hg19) VCF-style: chr20-10393226-T-C.
Other names: c.937A>G, p.Ile313Val (NM_018848.3); short protein forms I313V.
Identifiers: ClinVar variation 1969080 (VCV001969080.6), dbSNP rs375066177, ClinGen allele CA9763603.
Genomic context (GRCh38, chr20:10,412,578, plus strand): 5'-AGTGATTTTTACCTGTCATTTTAGTCAGGGGTTCCATCAGAGTCACTCCAATTCTGTCTA[T>C]GGCAATAATACGATGCATATTGAGAAACTGCTTCAAAGATGGATGTATAACTTTTTGGCA-3'
Protein context (NP_740754.1, residues 303-323): QFLNMHRIIA[Ile313Val]DRIGVTLMEP